The following is an entry in ClinVar:

ClinVar aggregate classification (germline): Uncertain significance (1 of 4 stars; one submission).

Conditions:
MHC class I deficiency. Identifiers: Orphanet 34592, MedGen C6024714, MONDO:0011476.

gnomAD v4.1: 18 of 1,612,886 alleles (0.0011%); highest among the groups gnomAD compares: Admixed American, 0.0017%; no homozygotes.

Submission:

Labcorp Genetics (formerly Invitae), Labcorp
Classification: Uncertain significance for MHC class I deficiency 1. Last evaluated: 2024-09-29. Review status: criteria provided, single submitter. Criteria: Invitae Variant Classification Sherloc (09022015). Collection method: clinical testing. Allele origin: germline.
Comment: This sequence change falls in intron 2 of the TAP1 gene. It does not directly change the encoded amino acid sequence of the TAP1 protein. It affects a nucleotide within the consensus splice site. This variant is present in population databases (no rsID available, gnomAD 0.003%). This variant has not been reported in the literature in individuals affected with TAP1-related conditions. Variants that disrupt the consensus splice site are a relatively common cause of aberrant splicing (PMID: 17576681, 9536098). Algorithms developed to predict the effect of sequence changes on RNA splicing suggest that this variant is not likely to affect RNA splicing. In summary, the available evidence is currently insufficient to determine the role of this variant in disease. Therefore, it has been classified as a Variant of Uncertain Significance.

Literature cited by the submitters: PubMed 17576681; PubMed 9536098.

NM_000593.6(TAP1):c.714-3T>C

Gene: TAP1 (transporter 1, ATP binding cassette subfamily B member; minus strand). Cytogenetic location: 6p21.32.
Variant type: single nucleotide variant.
Coding change: c.714-3T>C on transcript NM_000593.6 (MANE Select); 3 bases into the intron before coding-DNA position 714, T replaced by C.
Molecular consequence: intron variant.
Genome position (GRCh38, 1-based): chr6:32,852,242, A>G on the plus strand (T>C on the coding strand, the complement: TAP1 is on the minus strand). VCF-style: chr6-32852242-A-G. GRCh37 (hg19) VCF-style: chr6-32820019-A-G.
Other names: c.111-3T>C (NM_001292022.2).
Identifiers: ClinVar variation 3679483 (VCV003679483.1).